The following is an entry in ClinVar:

NM_000228.3(LAMB3):c.943+1G>A

Gene: LAMB3 (laminin subunit beta 3; minus strand). Cytogenetic location: 1q32.2.
Variant type: single nucleotide variant.
Coding change: c.943+1G>A on transcript NM_000228.3 (MANE Select); the canonical splice donor site of the intron after coding-DNA position 943, G replaced by A.
Molecular consequence: splice donor variant.
Genome position (GRCh38, 1-based): chr1:209,630,614, C>T on the plus strand (G>A on the coding strand, the complement: LAMB3 is on the minus strand). VCF-style: chr1-209630614-C-T. GRCh37 (hg19) VCF-style: chr1-209803959-C-T.
Other names: c.943+1G>A (NM_001127641.1, NM_001017402.2).
Identifiers: ClinVar variation 1501852 (VCV001501852.6), dbSNP rs1666645866, ClinGen allele CA344593194.

ClinVar aggregate classification (germline): Likely pathogenic (1 of 4 stars; one submission).

Submission:

Labcorp Genetics (formerly Invitae), Labcorp
Classification: Likely pathogenic. Last evaluated: 2021-08-08. Review status: criteria provided, single submitter. Criteria: Invitae Variant Classification Sherloc (09022015). Collection method: clinical testing. Allele origin: germline.
Comment: This variant is not present in population databases (ExAC no frequency). This sequence change affects a donor splice site in intron 9 of the LAMB3 gene. It is expected to disrupt RNA splicing. Variants that disrupt the donor or acceptor splice site typically lead to a loss of protein function (PMID: 16199547), and loss-of-function variants in LAMB3 are known to be pathogenic (PMID: 11023379, 16473856). In summary, the currently available evidence indicates that the variant is pathogenic, but additional data are needed to prove that conclusively. Therefore, this variant has been classified as Likely Pathogenic. Algorithms developed to predict the effect of sequence changes on RNA splicing suggest that this variant may disrupt the consensus splice site. This variant has not been reported in the literature in individuals affected with LAMB3-related conditions.

Literature cited by the submitters: PubMed 16199547; PubMed 11023379; PubMed 16473856.